The following is an entry in ClinVar:

NM_000426.4(LAMA2):c.541A>G (p.Asn181Asp)

Gene: LAMA2 (laminin subunit alpha 2; plus strand). Cytogenetic location: 6q22.33.
Variant type: single nucleotide variant.
Coding change: c.541A>G on transcript NM_000426.4 (MANE Select); coding-DNA position 541, A replaced by G.
Protein change: p.Asn181Asp; replaces asparagine 181 with aspartic acid.
Molecular consequence: missense variant.
Genome position (GRCh38, 1-based): chr6:129,098,317, A>G. VCF-style: chr6-129098317-A-G. GRCh37 (hg19) VCF-style: chr6-129419462-A-G.
Other names: c.541A>G, p.Asn181Asp (NM_001079823.2); short protein forms N181D.
Identifiers: ClinVar variation 2152705 (VCV002152705.2), dbSNP rs1775309384, ClinGen allele CA365829343.

ClinVar aggregate classification (germline): Uncertain significance (1 of 4 stars; one submission).

Conditions:
LAMA2-related muscular dystrophy (LAMA2-RD). Also called: Laminin alpha 2-related dystrophy. Identifiers: MedGen C5679788, MONDO:0100228.

Allele frequency attached by ClinVar (database versions not stated): TOPMed below 0.00001.

Submission:

Labcorp Genetics (formerly Invitae), Labcorp
Classification: Uncertain significance for LAMA2-related muscular dystrophy. Last evaluated: 2023-08-17. Review status: criteria provided, single submitter. Criteria: Invitae Variant Classification Sherloc (09022015). Collection method: clinical testing. Allele origin: germline.
Comment: This sequence change replaces asparagine, which is neutral and polar, with aspartic acid, which is acidic and polar, at codon 181 of the LAMA2 protein (p.Asn181Asp). This variant is not present in population databases (gnomAD no frequency). This variant has not been reported in the literature in individuals affected with LAMA2-related conditions. ClinVar contains an entry for this variant (Variation ID: 2152705). Advanced modeling of protein sequence and biophysical properties (such as structural, functional, and spatial information, amino acid conservation, physicochemical variation, residue mobility, and thermodynamic stability) performed at Invitae indicates that this missense variant is not expected to disrupt LAMA2 protein function. In summary, the available evidence is currently insufficient to determine the role of this variant in disease. Therefore, it has been classified as a Variant of Uncertain Significance.